The following is an entry in ClinVar:

NM_000540.3(RYR1):c.12952C>G (p.Arg4318Gly)

Gene: RYR1 (ryanodine receptor 1; plus strand). Cytogenetic location: 19q13.2.
Variant type: single nucleotide variant.
Coding change: c.12952C>G on transcript NM_000540.3 (MANE Select); coding-DNA position 12952, C replaced by G.
Protein change: p.Arg4318Gly; replaces arginine 4318 with glycine.
Molecular consequence: missense variant.
Genome position (GRCh38, 1-based): chr19:38,565,286, C>G. VCF-style: chr19-38565286-C-G. GRCh37 (hg19) VCF-style: chr19-39055926-C-G.
Other names: c.12937C>G, p.Arg4313Gly (NM_001042723.2); short protein forms R4318G, R4313G.
Identifiers: ClinVar variation 544449 (VCV000544449.10), dbSNP rs1285531553, ClinGen allele CA405672704.

ClinVar aggregate classification (germline): Uncertain significance. Review status: criteria provided, multiple submitters, no conflicts (2 of 4 stars). 2 submissions from 2 submitters: Uncertain significance (2). Last evaluated 2025-06-25.

Conditions:
RYR1-related disorder. Also called: RYR1-related condition; RYR1-related disorders. Identifiers: MedGen CN239331.
Inborn genetic diseases. Identifiers: MedGen C0950123, MeSH D030342.

Allele frequency attached by ClinVar (database versions not stated): TOPMed below 0.00001; gnomAD 0.00001.
gnomAD v4.1: 1 of 1,008,538 alleles (0.000099%); highest among the groups gnomAD compares: African/African-American, 0.0017%; no homozygotes.

Submissions (2):

Ambry Genetics
Classification: Uncertain significance for Inborn genetic diseases. Last evaluated: 2025-06-25. Review status: criteria provided, single submitter. Criteria: Ambry Variant Classification Scheme 2023. Collection method: clinical testing. Allele origin: germline.

Labcorp Genetics (formerly Invitae), Labcorp
Classification: Uncertain significance for RYR1-related disorder. Last evaluated: 2024-12-17. Review status: criteria provided, single submitter. Criteria: Invitae Variant Classification Sherloc (09022015). Collection method: clinical testing. Allele origin: germline.
Comment: This sequence change replaces arginine, which is basic and polar, with glycine, which is neutral and non-polar, at codon 4318 of the RYR1 protein (p.Arg4318Gly). This variant is not present in population databases (gnomAD no frequency). This variant has not been reported in the literature in individuals affected with RYR1-related conditions. ClinVar contains an entry for this variant (Variation ID: 544449). Invitae Evidence Modeling of protein sequence and biophysical properties (such as structural, functional, and spatial information, amino acid conservation, physicochemical variation, residue mobility, and thermodynamic stability) indicates that this missense variant is not expected to disrupt RYR1 protein function with a negative predictive value of 80%. In summary, the available evidence is currently insufficient to determine the role of this variant in disease. Therefore, it has been classified as a Variant of Uncertain Significance.